The following is an entry in ClinVar:

NM_001042472.3(ABHD12):c.61TCC[2] (p.Ser23del)

Genes: ABHD12 (abhydrolase domain containing 12, lysophospholipase; minus strand), LOC130065586 (ATAC-STARR-seq lymphoblastoid silent region 12752; plus strand). Cytogenetic location: 20p11.21.
Variant type: Microsatellite.
Coding change: c.61TCC[2] on transcript NM_001042472.3 (MANE Select); two copies in a row of the 3-base unit TCC starting at c.61; the reference has three copies in a row; one copy, 3 bases deleted.
Protein change: p.Ser23del; deletes serine 23.
Molecular consequence: inframe deletion.
Genome position (GRCh38, 1-based): chr20:25,390,635-25,390,637, GGA deleted on the plus strand (TCC on the coding strand, the reverse complement: ABHD12 is on the minus strand); deleting any 3 consecutive bases within chr20:25,390,635-25,390,643 gives the same sequence; the position shown is the placement nearest the transcript's 3' end. VCF-style (leftmost placement, unchanged base first): chr20-25390634-CGGA-C. GRCh37 (hg19) VCF-style: chr20-25371270-CGGA-C.
Other names: c.61TCC[2], p.Ser23del (NM_015600.5); short protein forms S23del.
Identifiers: ClinVar variation 1036375 (VCV001036375.9), dbSNP rs1208988461, ClinGen allele CA742453554.
Genomic context (GRCh38, chr20:25,390,634, plus strand): 5'-CCGTCAGGCGTAGGTTCTGCTTCAGGCGGCAGTCGGCGTCCAGCGCCGCGGCGGCCGAGC[CGGA>C]GGAGGACGAGCCCGCGGCGGCGCAGCGCTCATGCTCCAAGGCGACGGGCTCGGTCCGCTT-3'

ClinVar aggregate classification (germline): Uncertain significance. Review status: criteria provided, multiple submitters, no conflicts (2 of 4 stars). 3 submissions from 3 submitters: Uncertain significance (3). Last evaluated 2026-03-01.

Submissions (3):

CeGaT Center for Human Genetics Tuebingen
Classification: Uncertain significance. Last evaluated: 2026-03-01. Review status: criteria provided, single submitter. Criteria: CeGaT Center For Human Genetics Tuebingen Variant Classification Criteria Version 2. Collection method: clinical testing. Allele origin: germline. Affected: yes. Observed: 1 variant allele.
Comment: ABHD12: PM2, PM4:Supporting

Blueprint Genetics
Classification: Uncertain significance. Last evaluated: 2024-10-14. Review status: criteria provided, single submitter. Criteria: ACMG Guidelines, 2015. Collection method: clinical testing. Allele origin: germline.

Labcorp Genetics (formerly Invitae), Labcorp
Classification: Uncertain significance. Last evaluated: 2022-05-22. Review status: criteria provided, single submitter. Criteria: Invitae Variant Classification Sherloc (09022015). Collection method: clinical testing. Allele origin: germline.
Comment: This variant, c.67_69del, results in the deletion of 1 amino acid(s) of the ABHD12 protein (p.Ser23del), but otherwise preserves the integrity of the reading frame. This variant is not present in population databases (gnomAD no frequency). This variant has not been reported in the literature in individuals affected with ABHD12-related conditions. Experimental studies and prediction algorithms are not available or were not evaluated, and the functional significance of this variant is currently unknown. In summary, the available evidence is currently insufficient to determine the role of this variant in disease. Therefore, it has been classified as a Variant of Uncertain Significance.